The following is an entry in ClinVar:

ClinVar aggregate classification (germline): Uncertain significance. Review status: criteria provided, multiple submitters, no conflicts (2 of 4 stars). 2 submissions from 2 submitters: Uncertain significance (2). Last evaluated 2023-06-01.

Conditions:
Primary ciliary dyskinesia. Also called: Ciliary dyskinesia. Identifiers: Orphanet 244, MedGen C0008780, MONDO:0016575, HP:0012265.

Allele frequency attached by ClinVar (database versions not stated): gnomAD exomes below 0.00001.
gnomAD v4.1: 1 of 1,614,030 alleles (0.000062%); highest among the groups gnomAD compares: Middle Eastern, 0.017%; no homozygotes.

Submissions (2):

CeGaT Center for Human Genetics Tuebingen
Classification: Uncertain significance. Last evaluated: 2023-06-01. Review status: criteria provided, single submitter. Criteria: CeGaT Center For Human Genetics Tuebingen Variant Classification Criteria Version 2. Collection method: clinical testing. Allele origin: germline. Affected: yes. Observed: 1 variant allele.
Comment: DNAAF1: PM2

Labcorp Genetics (formerly Invitae), Labcorp
Classification: Uncertain significance for Primary ciliary dyskinesia. Last evaluated: 2018-12-06. Review status: criteria provided, single submitter. Criteria: Invitae Variant Classification Sherloc (09022015). Collection method: clinical testing. Allele origin: germline.
Comment: This sequence change replaces arginine with lysine at codon 265 of the DNAAF1 protein (p.Arg265Lys). The arginine residue is highly conserved and there is a small physicochemical difference between arginine and lysine. This variant is not present in population databases (ExAC no frequency). This variant has not been reported in the literature in individuals with DNAAF1-related conditions. Algorithms developed to predict the effect of missense changes on protein structure and function (SIFT, PolyPhen-2, Align-GVGD) all suggest that this variant is likely to be disruptive, but these predictions have not been confirmed by published functional studies and their clinical significance is uncertain. In summary, the available evidence is currently insufficient to determine the role of this variant in disease. Therefore, it has been classified as a Variant of Uncertain Significance.

NM_178452.6(DNAAF1):c.794G>A (p.Arg265Lys)

Gene: DNAAF1 (dynein axonemal assembly factor 1; plus strand). Cytogenetic location: 16q24.1.
Variant type: single nucleotide variant.
Coding change: c.794G>A on transcript NM_178452.6 (MANE Select); coding-DNA position 794, G replaced by A.
Protein change: p.Arg265Lys; replaces arginine 265 with lysine.
Molecular consequence: missense variant.
Genome position (GRCh38, 1-based): chr16:84,159,727, G>A. VCF-style: chr16-84159727-G-A. GRCh37 (hg19) VCF-style: chr16-84193332-G-A.
Other names: c.38G>A, p.Arg13Lys (NM_001318756.1); short protein forms R13K, R265K.
Identifiers: ClinVar variation 665694 (VCV000665694.25), dbSNP rs867096947, ClinGen allele CA285510403.